The following is an entry in ClinVar:

ClinVar aggregate classification (germline): Uncertain significance (1 of 4 stars; one submission).

gnomAD v4.1: 3 of 1,550,118 alleles (0.00019%); highest among the groups gnomAD compares: Non-Finnish European, 0.00026%; no homozygotes.

Submission:

GeneDx
Classification: Uncertain significance. Last evaluated: 2023-05-31. Review status: criteria provided, single submitter. Criteria: GeneDx Variant Classification Process June 2021. Collection method: clinical testing. Allele origin: germline. Affected: yes.
Comment: Not observed at significant frequency in large population cohorts (gnomAD); In silico analysis supports that this missense variant has a deleterious effect on protein structure/function; Has not been previously published as pathogenic or benign to our knowledge

NM_001100913.3(PACS2):c.1348C>T (p.Arg450Trp)

Gene: PACS2 (phosphofurin acidic cluster sorting protein 2; plus strand). Cytogenetic location: 14q32.33.
Variant type: single nucleotide variant.
Coding change: c.1348C>T on transcript NM_001100913.3 (MANE Select); coding-DNA position 1348, C replaced by T.
Protein change: p.Arg450Trp; replaces arginine 450 with tryptophan.
Molecular consequence: missense variant.
Genome position (GRCh38, 1-based): chr14:105,381,993, C>T. VCF-style: chr14-105381993-C-T. GRCh37 (hg19) VCF-style: chr14-105848330-C-T.
Other names: c.1123C>T, p.Arg375Trp (NM_001243127.3); c.1348C>T, p.Arg450Trp (NM_015197.4); short protein forms R375W, R450W.
Identifiers: ClinVar variation 3359345 (VCV003359345.1).